The following is an entry in ClinVar:

NM_000215.4(JAK3):c.3275G>A (p.Gly1092Asp)

Gene: JAK3 (Janus kinase 3; minus strand). Cytogenetic location: 19p13.11.
Variant type: single nucleotide variant.
Coding change: c.3275G>A on transcript NM_000215.4 (MANE Select); coding-DNA position 3275, G replaced by A.
Protein change: p.Gly1092Asp; replaces glycine 1092 with aspartic acid.
Molecular consequence: missense variant.
Genome position (GRCh38, 1-based): chr19:17,826,843, C>T on the plus strand (G>A on the coding strand, the complement: JAK3 is on the minus strand). VCF-style: chr19-17826843-C-T. GRCh37 (hg19) VCF-style: chr19-17937652-C-T.
Other names: short protein forms G1092D.
Identifiers: ClinVar variation 2917028 (VCV002917028.2), dbSNP rs546154574, ClinGen allele CA9301358.
Genomic context (GRCh38, chr19:17,826,843, plus strand): 5'-GCAGTGAAGGCATGAGTCTCACACCCCCGGCTTCCGCTCCACAGCATGTCCAGCTGGGGG[C>T]CCAGGGCGCTGAATGATGGCCGGTCCTGTGGGCTAGGGGCCCAGCACAGCTTCATGAGCT-3'
Protein context (NP_000206.2, residues 1082-1102): PQDRPSFSAL[Gly1092Asp]PQLDMLWSGS

ClinVar aggregate classification (germline): Uncertain significance (1 of 4 stars; one submission).

Conditions:
T-B+ severe combined immunodeficiency due to JAK3 deficiency. Also called: SCID, autosomal recessive, T-negative/B-positive type; SCID, T CELL-NEGATIVE, B CELL-POSITIVE, NK CELL-NEGATIVE. Identifiers: Orphanet 35078, MedGen C1833275, MONDO:0010938, OMIM 600802.

Allele frequency attached by ClinVar (database versions not stated): gnomAD exomes below 0.00001; ExAC 0.00001; gnomAD 0.00001; TOPMed 0.00001; 1000 Genomes Project 30x 0.00016; 1000 Genomes Project 0.00020.
gnomAD v4.1: 5 of 1,613,916 alleles (0.00031%); highest among the groups gnomAD compares: Non-Finnish European, 0.00042%; no homozygotes.

Submission:

Labcorp Genetics (formerly Invitae), Labcorp
Classification: Uncertain significance for T-B+ severe combined immunodeficiency due to JAK3 deficiency. Last evaluated: 2024-01-09. Review status: criteria provided, single submitter. Criteria: Invitae Variant Classification Sherloc (09022015). Collection method: clinical testing. Allele origin: germline.
Comment: This sequence change replaces glycine, which is neutral and non-polar, with aspartic acid, which is acidic and polar, at codon 1092 of the JAK3 protein (p.Gly1092Asp). This variant is present in population databases (rs546154574, gnomAD 0.0009%). This variant has not been reported in the literature in individuals affected with JAK3-related conditions. Advanced modeling of protein sequence and biophysical properties (such as structural, functional, and spatial information, amino acid conservation, physicochemical variation, residue mobility, and thermodynamic stability) performed at Invitae indicates that this missense variant is not expected to disrupt JAK3 protein function with a negative predictive value of 80%. In summary, the available evidence is currently insufficient to determine the role of this variant in disease. Therefore, it has been classified as a Variant of Uncertain Significance.